The following is an entry in ClinVar:

NM_001184.4(ATR):c.4330A>G (p.Arg1444Gly)

Gene: ATR (ATR checkpoint kinase; minus strand). Cytogenetic location: 3q23.
Variant type: single nucleotide variant.
Coding change: c.4330A>G on transcript NM_001184.4 (MANE Select); coding-DNA position 4330, A replaced by G.
Protein change: p.Arg1444Gly; replaces arginine 1444 with glycine.
Molecular consequence: missense variant.
Genome position (GRCh38, 1-based): chr3:142,519,721, T>C on the plus strand (A>G on the coding strand, the complement: ATR is on the minus strand). VCF-style: chr3-142519721-T-C. GRCh37 (hg19) VCF-style: chr3-142238563-T-C.
Other names: c.4138A>G, p.Arg1380Gly (NM_001354579.2); short protein forms R1380G, R1444G.
Identifiers: ClinVar variation 1739789 (VCV001739789.2), dbSNP rs2473245005, ClinGen allele CA354800249.

ClinVar aggregate classification (germline): Uncertain significance (1 of 4 stars; one submission).

Conditions:
Inborn genetic diseases. Identifiers: MedGen C0950123, MeSH D030342.

gnomAD v4.1: 1 of 1,614,182 alleles (0.000062%); no homozygotes.

Submission:

Ambry Genetics
Classification: Uncertain significance for Inborn genetic diseases. Last evaluated: 2022-10-11. Review status: criteria provided, single submitter. Criteria: Ambry Variant Classification Scheme 2023. Collection method: clinical testing. Allele origin: germline.
Comment: The p.R1444G variant (also known as c.4330A>G), located in coding exon 24 of the ATR gene, results from an A to G substitution at nucleotide position 4330. The arginine at codon 1444 is replaced by glycine, an amino acid with dissimilar properties. This amino acid position is conserved. In addition, this alteration is predicted to be tolerated by in silico analysis. Since supporting evidence is limited at this time, the clinical significance of this alteration remains unclear.